The following is an entry in ClinVar:

ClinVar aggregate classification (germline): Uncertain significance. Review status: criteria provided, multiple submitters, no conflicts (2 of 4 stars). 2 submissions from 2 submitters: Uncertain significance (2). Last evaluated 2023-07-20.

Conditions:
Charcot-Marie-Tooth disease axonal type 2O. Also called: CHARCOT-MARIE-TOOTH NEUROPATHY, AXONAL, TYPE 2O; CHARCOT-MARIE-TOOTH DISEASE, AXONAL, AUTOSOMAL DOMINANT, TYPE 2O; Charcot-Marie-Tooth Neuropathy Type 2O; Charcot-Marie-Tooth disease, axonal, type 20. Identifiers: Orphanet 284232, MedGen C3280220, MONDO:0013644, OMIM 614228.

Allele frequency attached by ClinVar (database versions not stated): TOPMed below 0.00001.

Submissions (2):

GeneDx
Classification: Uncertain significance. Last evaluated: 2023-07-20. Review status: criteria provided, single submitter. Criteria: GeneDx Variant Classification Process June 2021. Collection method: clinical testing. Allele origin: germline. Affected: yes.
Comment: Not observed at significant frequency in large population cohorts (gnomAD); In silico analysis supports that this missense variant has a deleterious effect on protein structure/function; Has not been previously published as pathogenic or benign to our knowledge; This variant is associated with the following publications: (PMID: 26100331, 25609763, 25512093)

Labcorp Genetics (formerly Invitae), Labcorp
Classification: Uncertain significance for Charcot-Marie-Tooth disease axonal type 2O. Last evaluated: 2023-07-19. Review status: criteria provided, single submitter. Criteria: Invitae Variant Classification Sherloc (09022015). Collection method: clinical testing. Allele origin: germline.
Comment: Advanced modeling of protein sequence and biophysical properties (such as structural, functional, and spatial information, amino acid conservation, physicochemical variation, residue mobility, and thermodynamic stability) performed at Invitae indicates that this missense variant is not expected to disrupt DYNC1H1 protein function. In summary, the available evidence is currently insufficient to determine the role of this variant in disease. Therefore, it has been classified as a Variant of Uncertain Significance. This variant has not been reported in the literature in individuals affected with DYNC1H1-related conditions. This variant is not present in population databases (gnomAD no frequency). This sequence change replaces lysine, which is basic and polar, with asparagine, which is neutral and polar, at codon 2898 of the DYNC1H1 protein (p.Lys2898Asn).

NM_001376.5(DYNC1H1):c.8694G>C (p.Lys2898Asn)

Gene: DYNC1H1 (dynein cytoplasmic 1 heavy chain 1; plus strand). Cytogenetic location: 14q32.31.
Variant type: single nucleotide variant.
Coding change: c.8694G>C on transcript NM_001376.5 (MANE Select); coding-DNA position 8694, G replaced by C.
Protein change: p.Lys2898Asn; replaces lysine 2898 with asparagine.
Molecular consequence: missense variant.
Genome position (GRCh38, 1-based): chr14:102,026,630, G>C. VCF-style: chr14-102026630-G-C. GRCh37 (hg19) VCF-style: chr14-102492967-G-C.
Other names: short protein forms K2898N.
Identifiers: ClinVar variation 2742601 (VCV002742601.4), dbSNP rs890305364, ClinGen allele CA266961813.